The following is an entry in ClinVar:

ClinVar aggregate classification (germline): Conflicting classifications of pathogenicity. Review status: criteria provided, conflicting classifications (1 of 4 stars). 4 submissions from 4 submitters: Uncertain significance (1); Benign (1). 2 of the submissions do not count toward it. Last evaluated 2025-07-30.

Conditions:
Wilms tumor 1 (WT1). Also called: Wilms tumor, somatic. Identifiers: Orphanet 654, MedGen CN033288, MONDO:0008679, OMIM 194070.

Allele frequency attached by ClinVar (database versions not stated): TOPMed 0.00011; gnomAD 0.00001 and 0.00002; gnomAD exomes 0.00002 and 0.00004; ExAC 0.00002.
gnomAD v4.1: 44 of 1,206,375 alleles (0.0036%); highest among the groups gnomAD compares: Non-Finnish European, 0.0048%; no homozygotes.

Submissions (4):

Labcorp Genetics (formerly Invitae), Labcorp
Classification: Benign for Wilms tumor 1. Last evaluated: 2025-07-30. Review status: criteria provided, single submitter. Criteria: Invitae Variant Classification Sherloc (09022015). Collection method: clinical testing. Allele origin: germline.

Dasa
Classification: Uncertain significance. Last evaluated: 2025-07-22. Review status: criteria provided, single submitter. Criteria: DASA Assertion Criteria. Collection method: clinical testing. Allele origin: germline.
Comment: NM_004484.4(GPC3):c.392A>G (p.Lys131Arg) is a missense variant that results in the substitution of lysine with arginine. This variant is rare in population databases. Computational prediction algorithms are consistent with a benign effect. The currently available literature and clinical evidence are not sufficient to establish a definitive association between this variant and the reported condition. Therefore, this variant is classified as a variant of uncertain significance.

Clinical Genetics DNA and cytogenetics Diagnostics Lab, Erasmus MC, Erasmus Medical Center
Classification: Uncertain significance. Review status: no assertion criteria provided. Collection method: clinical testing. Allele origin: germline. Affected: yes. Study: VKGL Data-share Consensus. Not counted in ClinVar's aggregate classification.

Laboratory of Diagnostic Genome Analysis, Leiden University Medical Center (LUMC)
Classification: Uncertain significance. Review status: no assertion criteria provided. Collection method: clinical testing. Allele origin: germline. Affected: yes. Study: VKGL Data-share Consensus. Not counted in ClinVar's aggregate classification.

NM_004484.4(GPC3):c.392A>G (p.Lys131Arg)

Gene: GPC3 (glypican 3; minus strand). Cytogenetic location: Xq26.2.
Variant type: single nucleotide variant.
Coding change: c.392A>G on transcript NM_004484.4 (MANE Select); coding-DNA position 392, A replaced by G.
Protein change: p.Lys131Arg; replaces lysine 131 with arginine.
Molecular consequence: missense variant.
Genome position (GRCh38, 1-based): chrX:133,754,122, T>C on the plus strand (A>G on the coding strand, the complement: GPC3 is on the minus strand). VCF-style: chrX-133754122-T-C. GRCh37 (hg19) VCF-style: chrX-132888149-T-C.
Other names: c.392A>G, p.Lys131Arg (NM_001164617.2); c.344A>G, p.Lys115Arg (NM_001164618.2); c.230A>G, p.Lys77Arg (NM_001164619.2); short protein forms K131R, K115R, K77R.
Identifiers: ClinVar variation 239943 (VCV000239943.16), dbSNP rs751302717, ClinGen allele CA10520833.